The following is an entry in ClinVar:

ClinVar aggregate classification (germline): Uncertain significance. Review status: criteria provided, multiple submitters, no conflicts (2 of 4 stars). 2 submissions from 2 submitters: Uncertain significance (2). Last evaluated 2024-09-10.

Conditions:
Inborn genetic diseases. Identifiers: MedGen C0950123, MeSH D030342.

gnomAD v4.1: 8 of 1,586,980 alleles (0.0005%); highest among the groups gnomAD compares: East Asian, 0.018%; no homozygotes.

Submissions (2):

Ambry Genetics
Classification: Uncertain significance for Inborn genetic diseases. Last evaluated: 2024-09-10. Review status: criteria provided, single submitter. Criteria: Ambry Variant Classification Scheme 2023. Collection method: clinical testing. Allele origin: germline.

Labcorp Genetics (formerly Invitae), Labcorp
Classification: Uncertain significance. Last evaluated: 2024-08-14. Review status: criteria provided, single submitter. Criteria: Invitae Variant Classification Sherloc (09022015). Collection method: clinical testing. Allele origin: germline.
Comment: This sequence change replaces proline, which is neutral and non-polar, with arginine, which is basic and polar, at codon 301 of the ADAMTS13 protein (p.Pro301Arg). This variant is present in population databases (rs782818563, gnomAD 0.07%). This variant has not been reported in the literature in individuals affected with ADAMTS13-related conditions. Invitae Evidence Modeling of protein sequence and biophysical properties (such as structural, functional, and spatial information, amino acid conservation, physicochemical variation, residue mobility, and thermodynamic stability) indicates that this missense variant is expected to disrupt ADAMTS13 protein function with a positive predictive value of 80%. In summary, the available evidence is currently insufficient to determine the role of this variant in disease. Therefore, it has been classified as a Variant of Uncertain Significance.

Literature cited by the submitters: PubMed 37815743 (cited by Ambry Genetics).

NM_139027.6(ADAMTS13):c.902C>G (p.Pro301Arg)

Gene: ADAMTS13 (ADAM metallopeptidase with thrombospondin type 1 motif 13; plus strand). Cytogenetic location: 9q34.2.
Variant type: single nucleotide variant.
Coding change: c.902C>G on transcript NM_139027.6 (MANE Select); coding-DNA position 902, C replaced by G.
Protein change: p.Pro301Arg; replaces proline 301 with arginine.
Molecular consequence: missense variant. On other transcripts: intron variant (1).
Genome position (GRCh38, 1-based): chr9:133,430,016, C>G. VCF-style: chr9-133430016-C-G. GRCh37 (hg19) VCF-style: chr9-136295136-C-G.
Other names: c.902C>G, p.Pro301Arg (NM_139025.5); c.825-16C>G (NM_139026.6); short protein forms P301R.
Identifiers: ClinVar variation 3489141 (VCV003489141.3).
Genomic context (GRCh38, chr9:133,430,016, plus strand): 5'-GCGTGTGGGACCCGCCGCGGCCTCAACCCGGGTCCGCGGGGCACCCGCCGGATGCGCAGC[C>G]TGGCCTCTACTACAGCGCCAACGAGCAGTGCCGCGTGGCCTTCGGCCCCAAGGCTGTCGC-3'
Protein context (NP_620596.2, residues 291-311): GSAGHPPDAQ[Pro301Arg]GLYYSANEQC